The following is an entry in ClinVar:

ClinVar aggregate classification (germline): Uncertain significance. Review status: criteria provided, multiple submitters, no conflicts (2 of 4 stars). 2 submissions from 2 submitters: Uncertain significance (2). Last evaluated 2023-08-17.

Conditions:
Fanconi anemia (FA). Also called: Fanconi's anemia. Identifiers: Orphanet 84, MedGen C0015625, MeSH D005199, MONDO:0019391.

Allele frequency attached by ClinVar (database versions not stated): gnomAD exomes 0.00002 and 0.00003; ExAC 0.00003.
gnomAD v4.1: 19 of 1,613,934 alleles (0.0012%); highest among the groups gnomAD compares: South Asian, 0.021%; no homozygotes.

Submissions (2):

Labcorp Genetics (formerly Invitae), Labcorp
Classification: Uncertain significance for Fanconi anemia. Last evaluated: 2023-08-17. Review status: criteria provided, single submitter. Criteria: Invitae Variant Classification Sherloc (09022015). Collection method: clinical testing. Allele origin: germline.
Comment: This sequence change replaces histidine, which is basic and polar, with arginine, which is basic and polar, at codon 45 of the FANCF protein (p.His45Arg). This variant is present in population databases (rs767088554, gnomAD 0.01%). This variant has not been reported in the literature in individuals affected with FANCF-related conditions. In summary, the available evidence is currently insufficient to determine the role of this variant in disease. Therefore, it has been classified as a Variant of Uncertain Significance. Advanced modeling of protein sequence and biophysical properties (such as structural, functional, and spatial information, amino acid conservation, physicochemical variation, residue mobility, and thermodynamic stability) performed at Invitae indicates that this missense variant is expected to disrupt FANCF protein function. ClinVar contains an entry for this variant (Variation ID: 1307899).

GeneDx
Classification: Uncertain significance. Last evaluated: 2019-08-26. Review status: criteria provided, single submitter. Criteria: GeneDx Variant Classification Process June 2021. Collection method: clinical testing. Allele origin: germline. Affected: yes.
Comment: In silico analysis, which includes protein predictors and evolutionary conservation, supports a deleterious effect; Has not been previously published as pathogenic or benign to our knowledge

NM_022725.4(FANCF):c.134A>G (p.His45Arg)

Gene: FANCF (FA complementation group F; minus strand). Cytogenetic location: 11p14.3.
Variant type: single nucleotide variant.
Coding change: c.134A>G on transcript NM_022725.4 (MANE Select); coding-DNA position 134, A replaced by G.
Protein change: p.His45Arg; replaces histidine 45 with arginine.
Molecular consequence: missense variant.
Genome position (GRCh38, 1-based): chr11:22,625,677, T>C on the plus strand (A>G on the coding strand, the complement: FANCF is on the minus strand). VCF-style: chr11-22625677-T-C. GRCh37 (hg19) VCF-style: chr11-22647223-T-C.
Other names: short protein forms H45R.
Identifiers: ClinVar variation 1307899 (VCV001307899.5), dbSNP rs767088554, ClinGen allele CA5924423.